The following is an entry in ClinVar:

ClinVar aggregate classification (germline): Uncertain significance (1 of 4 stars; one submission).

Conditions:
Fanconi anemia (FA). Also called: Fanconi's anemia. Identifiers: Orphanet 84, MedGen C0015625, MeSH D005199, MONDO:0019391.

Submission:

Labcorp Genetics (formerly Invitae), Labcorp
Classification: Uncertain significance for Fanconi anemia. Last evaluated: 2022-11-06. Review status: criteria provided, single submitter. Criteria: Invitae Variant Classification Sherloc (09022015). Collection method: clinical testing. Allele origin: unknown.
Comment: In summary, the available evidence is currently insufficient to determine the role of this variant in disease. Therefore, it has been classified as a Variant of Uncertain Significance. Experimental studies and prediction algorithms are not available or were not evaluated, and the functional significance of this variant is currently unknown. This variant has not been reported in the literature in individuals affected with FANCA-related conditions. This variant results in a copy number gain of the genomic region encompassing exon(s) 31-43 of the FANCA gene. This region includes the termination codon of the gene. This copy number gain extends beyond the assayed region for this gene and therefore may encompass additional genes. As the precise location of this event is unknown, it may be in tandem or it may be located elsewhere in the genome.

NC_000016.9:g.(?_89805009)_(89818650_?)dup

Genes: FANCA (FA complementation group A; minus strand), ZNF276 (zinc finger protein 276; plus strand). Cytogenetic location: 16q24.3.
Variant type: Duplication.
Identifiers: ClinVar variation 3243291 (VCV003243291.1).